The following is an entry in ClinVar:

NM_000051.4(ATM):c.4612-17T>C

Gene: ATM (ATM serine/threonine kinase; plus strand). Cytogenetic location: 11q22.3.
Variant type: single nucleotide variant.
Coding change: c.4612-17T>C on transcript NM_000051.4 (MANE Select); 17 bases into the intron before coding-DNA position 4612, T replaced by C.
Molecular consequence: intron variant.
Genome position (GRCh38, 1-based): chr11:108,293,296, T>C. VCF-style: chr11-108293296-T-C. GRCh37 (hg19) VCF-style: chr11-108164023-T-C.
Other names: c.4612-17T>C (NM_001351834.2).
Identifiers: ClinVar variation 490576 (VCV000490576.12), dbSNP rs550966528, ClinGen allele CA6265515.

ClinVar aggregate classification (germline): Likely benign. Review status: criteria provided, multiple submitters, no conflicts (2 of 4 stars). 4 submissions from 4 submitters: Likely benign (3). 1 of the submissions does not count toward it. Last evaluated 2026-01-09.

Conditions:
ATM-related disorder. Also called: ATM-related disorders; ATM-related condition.
Hereditary cancer-predisposing syndrome. Also called: Tumor predisposition; Neoplastic Syndromes, Hereditary; Hereditary Cancer Syndrome; Hereditary neoplastic syndrome. Identifiers: Orphanet 140162, MedGen C0027672, MeSH D009386, MONDO:0015356.
Familial cancer of breast. Also called: BREAST CANCER, FAMILIAL; hereditary breast carcinoma; Hereditary breast cancer. Identifiers: Orphanet 227535, MedGen C0346153, MONDO:0016419, OMIM 114480. Disease mechanism: loss of function.
Ataxia-telangiectasia syndrome (AT). Also called: Ataxia-telangiectasia; Ataxia-telangiectasia, complementation group D; AT, COMPLEMENTATION GROUP C; LOUIS-BAR SYNDROME; Cerebello-oculocutaneous telangiectasia; Immunodeficiency with ataxia telangiectasia. Identifiers: Orphanet 100, MedGen C0004135, MONDO:0008840, OMIM 208900.

Allele frequency attached by ClinVar (database versions not stated): gnomAD 0.00001; gnomAD exomes 0.00001 and 0.00002; ExAC 0.00004; 1000 Genomes Project 0.00020; 1000 Genomes Project 30x 0.00031.
gnomAD v4.1: 14 of 1,408,066 alleles (0.00099%); highest among the groups gnomAD compares: East Asian, 0.035%; no homozygotes.

Submissions (4):

Labcorp Genetics (formerly Invitae), Labcorp
Classification: Likely benign for Ataxia-telangiectasia syndrome. Last evaluated: 2026-01-09. Review status: criteria provided, single submitter. Criteria: Invitae Variant Classification Sherloc (09022015). Collection method: clinical testing. Allele origin: germline.

Myriad Genetics, Inc.
Classification: Likely benign for Familial cancer of breast. Last evaluated: 2024-05-20. Review status: criteria provided, single submitter. Criteria: Myriad Autosomal Dominant, Autosomal Recessive and X-Linked Classification Criteria (2023). Collection method: clinical testing. Allele origin: unknown.
Comment: This variant is considered likely benign. This variant is intronic and is not expected to impact mRNA splicing.

Color Diagnostics, LLC DBA Color Health
Classification: Likely benign for Hereditary cancer-predisposing syndrome. Last evaluated: 2017-04-20. Review status: criteria provided, single submitter. Criteria: ACMG Guidelines, 2015. Collection method: clinical testing. Allele origin: germline.

PreventionGenetics, part of Exact Sciences
Classification: Likely benign for ATM-related condition. Last evaluated: 2024-09-06. Review status: no assertion criteria provided. Collection method: clinical testing. Allele origin: germline. Not counted in ClinVar's aggregate classification.
Comment: This variant is classified as likely benign based on ACMG/AMP sequence variant interpretation guidelines (Richards et al. 2015 PMID: 25741868, with internal and published modifications).